The following is an entry in ClinVar:

ClinVar aggregate classification (germline): Conflicting classifications of pathogenicity. Review status: criteria provided, conflicting classifications (1 of 4 stars). 2 submissions from 2 submitters: Uncertain significance (1); Likely benign (1). Last evaluated 2025-06-18.

Conditions:
Hereditary cancer-predisposing syndrome. Also called: Hereditary neoplastic syndrome; Hereditary Cancer Syndrome; Neoplastic Syndromes, Hereditary; Tumor predisposition. Identifiers: Orphanet 140162, MedGen C0027672, MeSH D009386, MONDO:0015356.
Juvenile polyposis syndrome (JPS). Identifiers: Orphanet 2929, MedGen C0345893, MONDO:0017380, OMIM 174900.

Submissions (2):

Color Diagnostics, LLC DBA Color Health
Classification: Likely benign for Hereditary cancer-predisposing syndrome. Last evaluated: 2025-06-18. Review status: criteria provided, single submitter. Criteria: ACMG Guidelines, 2015. Collection method: clinical testing. Allele origin: germline.

Labcorp Genetics (formerly Invitae), Labcorp
Classification: Uncertain significance for Juvenile polyposis syndrome. Last evaluated: 2024-04-10. Review status: criteria provided, single submitter. Criteria: Invitae Variant Classification Sherloc (09022015). Collection method: clinical testing. Allele origin: germline.
Comment: This sequence change falls in intron 10 of the BMPR1A gene. It does not directly change the encoded amino acid sequence of the BMPR1A protein. It affects a nucleotide within the consensus splice site. This variant is not present in population databases (gnomAD no frequency). This variant has not been reported in the literature in individuals affected with BMPR1A-related conditions. Variants that disrupt the consensus splice site are a relatively common cause of aberrant splicing (PMID: 17576681, 9536098). Algorithms developed to predict the effect of sequence changes on RNA splicing suggest that this variant is not likely to affect RNA splicing. In summary, the available evidence is currently insufficient to determine the role of this variant in disease. Therefore, it has been classified as a Variant of Uncertain Significance.

Literature cited by the submitters: PubMed 17576681 (cited by Labcorp Genetics (formerly Invitae), Labcorp); PubMed 9536098 (cited by Labcorp Genetics (formerly Invitae), Labcorp).

NM_004329.3(BMPR1A):c.1167-3C>A

Gene: BMPR1A (bone morphogenetic protein receptor type 1A; plus strand). Cytogenetic location: 10q23.2.
Variant type: single nucleotide variant.
Coding change: c.1167-3C>A on transcript NM_004329.3 (MANE Select); 3 bases into the intron before coding-DNA position 1167, C replaced by A.
Molecular consequence: intron variant.
Genome position (GRCh38, 1-based): chr10:86,921,517, C>A. VCF-style: chr10-86921517-C-A. GRCh37 (hg19) VCF-style: chr10-88681274-C-A.
Other names: c.1167-3C>A (NM_001406562.1, NM_001406568.1, NM_001406567.1 and 19 more transcripts); c.1083-3C>A (NM_001406584.1, NM_001406588.1, NM_001406587.1 and 2 more transcripts); c.1215-3C>A (NM_001406560.1); c.1242-3C>A (NM_001406559.1); c.1161-3C>A (NM_001406583.1); c.825-3C>A (NM_001406589.1).
Identifiers: ClinVar variation 2864299 (VCV002864299.4), dbSNP rs2539635232, ClinGen allele CA2739275875.
Genomic context (GRCh38, chr10:86,921,517, plus strand): 5'-AATACAAGATAAACTATTTTATTTTTGGCCCTCAACTTGGACCTTGGCTTTCTTTTGTTT[C>A]AGTGACACAAATGAAGTTGATGTGCCCTTGAATACCAGGGTGGGCACCAAACGCTACATG-3'